The following is an entry in ClinVar:

NM_001371596.2(MFSD8):c.511A>G (p.Asn171Asp)

Gene: MFSD8 (major facilitator superfamily domain containing 8; minus strand). Cytogenetic location: 4q28.2.
Variant type: single nucleotide variant.
Coding change: c.511A>G on transcript NM_001371596.2 (MANE Select); coding-DNA position 511, A replaced by G.
Protein change: p.Asn171Asp; replaces asparagine 171 with aspartic acid.
Molecular consequence: missense variant. On other transcripts: intron variant (4).
Genome position (GRCh38, 1-based): chr4:127,942,087, T>C on the plus strand (A>G on the coding strand, the complement: MFSD8 is on the minus strand). VCF-style: chr4-127942087-T-C. GRCh37 (hg19) VCF-style: chr4-128863242-T-C.
Other names: c.511A>G (NM_152778.2); c.511A>G, p.Asn171Asp (NM_001363520.3, NM_001371591.2, NM_001371592.2 and 2 more transcripts); c.376A>G, p.Asn126Asp (NM_001371590.2, NM_001371595.1); c.304+1665A>G (NM_001410765.1); c.439+1665A>G (NM_001363521.3, NM_001410766.1, NM_001371593.2); short protein forms N126D, N171D.
Identifiers: ClinVar variation 2194111 (VCV002194111.2), dbSNP rs2546153323, ClinGen allele CA358176191.

ClinVar aggregate classification (germline): Uncertain significance (1 of 4 stars; one submission).

Conditions:
Neuronal ceroid lipofuscinosis 7 (CLN7). Also called: MFSD8-Related Neuronal Ceroid-Lipofuscinosis. Identifiers: Orphanet 168491, Orphanet 228366, MedGen C1838571, MONDO:0012588, OMIM 610951.
Macular dystrophy with central cone involvement (CCMD). Identifiers: MedGen C4015371, MONDO:0014515, OMIM 616170.

Allele frequency attached by ClinVar (database versions not stated): gnomAD exomes below 0.00001.
gnomAD v4.1: 2 of 1,614,080 alleles (0.00012%); highest among the groups gnomAD compares: Non-Finnish European, 0.00017%; no homozygotes.

Submission:

Labcorp Genetics (formerly Invitae), Labcorp
Classification: Uncertain significance for Neuronal ceroid lipofuscinosis 7. Last evaluated: 2022-01-28. Review status: criteria provided, single submitter. Criteria: Invitae Variant Classification Sherloc (09022015). Collection method: clinical testing. Allele origin: germline.
Comment: This sequence change replaces asparagine, which is neutral and polar, with aspartic acid, which is acidic and polar, at codon 171 of the MFSD8 protein (p.Asn171Asp). This variant is not present in population databases (gnomAD no frequency). This variant has not been reported in the literature in individuals affected with MFSD8-related conditions. Algorithms developed to predict the effect of missense changes on protein structure and function are either unavailable or do not agree on the potential impact of this missense change (SIFT: "Tolerated"; PolyPhen-2: "Probably Damaging"; Align-GVGD: "Class C0"). In summary, the available evidence is currently insufficient to determine the role of this variant in disease. Therefore, it has been classified as a Variant of Uncertain Significance.